The following is an entry in ClinVar:

ClinVar aggregate classification (germline): Uncertain significance (1 of 4 stars; one submission).

gnomAD v4.1: 5 of 1,614,070 alleles (0.00031%); highest among the groups gnomAD compares: Admixed American, 0.0033%; no homozygotes.

Submission:

Labcorp Genetics (formerly Invitae), Labcorp
Classification: Uncertain significance. Last evaluated: 2024-02-24. Review status: criteria provided, single submitter. Criteria: Invitae Variant Classification Sherloc (09022015). Collection method: clinical testing. Allele origin: germline.
Comment: This sequence change replaces lysine, which is basic and polar, with threonine, which is neutral and polar, at codon 223 of the RNASET2 protein (p.Lys223Thr). This variant is not present in population databases (gnomAD no frequency). This variant has not been reported in the literature in individuals affected with RNASET2-related conditions. ClinVar contains an entry for this variant (Variation ID: 1916673). An algorithm developed to predict the effect of missense changes on protein structure and function (PolyPhen-2) suggests that this variant is likely to be tolerated. In summary, the available evidence is currently insufficient to determine the role of this variant in disease. Therefore, it has been classified as a Variant of Uncertain Significance.

NM_003730.6(RNASET2):c.668A>C (p.Lys223Thr)

Gene: RNASET2 (ribonuclease T2; minus strand). Cytogenetic location: 6q27.
Variant type: single nucleotide variant.
Coding change: c.668A>C on transcript NM_003730.6 (MANE Select); coding-DNA position 668, A replaced by C.
Protein change: p.Lys223Thr; replaces lysine 223 with threonine.
Molecular consequence: missense variant.
Genome position (GRCh38, 1-based): chr6:166,929,691, T>G on the plus strand (A>C on the coding strand, the complement: RNASET2 is on the minus strand). VCF-style: chr6-166929691-T-G. GRCh37 (hg19) VCF-style: chr6-167343179-T-G.
Other names: short protein forms K223T.
Identifiers: ClinVar variation 1916673 (VCV001916673.4), dbSNP rs149106779, ClinGen allele CA366408770.
Genomic context (GRCh38, chr6:166,929,691, plus strand): 5'-TCTTCACAGACTCTCAGACCCCGGCTCTCGGCGGCCCCATTTGCCAGCCAGACTTCCTGC[T>G]TGGGGGACGGCTGCTCCCCCGGCTCGGTGCAGTTTTGCAGCTGCTGGTCTTGCTTAGTGA-3'
Protein context (NP_003721.2, residues 213-233): CTEPGEQPSP[Lys223Thr]QEVWLANGAA